The following is an entry in ClinVar:

NM_153603.4(COG7):c.698del (p.Leu232_Leu233insTer)

Gene: COG7 (component of oligomeric golgi complex 7; minus strand). Cytogenetic location: 16p12.2.
Variant type: Deletion.
Coding change: c.698del on transcript NM_153603.4 (MANE Select); coding-DNA position 698, one base deleted (T; older notation c.698delT).
Protein change: p.Leu232_Leu233insTer.
Molecular consequence: nonsense.
Genome position (GRCh38, 1-based): chr16:23,433,657, A deleted on the plus strand (T on the coding strand, the reverse complement: COG7 is on the minus strand); the first of 4 consecutive A bases (chr16:23,433,657-23,433,660); deleting any one gives the same sequence. VCF-style (leftmost placement, unchanged base first): chr16-23433656-TA-T. GRCh37 (hg19) VCF-style: chr16-23444977-TA-T.
Identifiers: ClinVar variation 2113880 (VCV002113880.4), dbSNP rs2506639430, ClinGen allele CA2580091221.

ClinVar aggregate classification (germline): Pathogenic (1 of 4 stars; one submission).

Conditions:
COG7 congenital disorder of glycosylation (CDG2E). Also called: CONGENITAL DISORDER OF GLYCOSYLATION, TYPE IIe; CDG IIe. Identifiers: Orphanet 79333, MedGen C2931010, MONDO:0012118, OMIM 608779.

Submission:

Labcorp Genetics (formerly Invitae), Labcorp
Classification: Pathogenic for COG7 congenital disorder of glycosylation. Last evaluated: 2024-04-17. Review status: criteria provided, single submitter. Criteria: Invitae Variant Classification Sherloc (09022015). Collection method: clinical testing. Allele origin: germline.
Comment: This sequence change creates a premature translational stop signal (p.Leu233*) in the COG7 gene. It is expected to result in an absent or disrupted protein product. Loss-of-function variants in COG7 are known to be pathogenic (PMID: 21811164). This variant is not present in population databases (gnomAD no frequency). This variant has not been reported in the literature in individuals affected with COG7-related conditions. ClinVar contains an entry for this variant (Variation ID: 2113880). For these reasons, this variant has been classified as Pathogenic.

Literature cited by the submitters: PubMed 21811164.